The following is an entry in ClinVar:

ClinVar aggregate classification (germline): Conflicting classifications of pathogenicity. Review status: criteria provided, conflicting classifications (1 of 4 stars). 6 submissions from 6 submitters: Uncertain significance (5); Likely benign (1). Last evaluated 2026-01-31.

Conditions:
Hereditary cancer-predisposing syndrome. Also called: Hereditary Cancer Syndrome; Neoplastic Syndromes, Hereditary; Tumor predisposition; Hereditary neoplastic syndrome. Identifiers: Orphanet 140162, MedGen C0027672, MeSH D009386, MONDO:0015356.
Fanconi anemia complementation group J. Also called: BRIP1-Related Fanconi Anemia. Identifiers: Orphanet 84, MedGen C1836860, MONDO:0012187, OMIM 609054.
Familial cancer of breast. Also called: Hereditary breast cancer; hereditary breast carcinoma; BREAST CANCER, FAMILIAL. Identifiers: Orphanet 227535, MedGen C0346153, MONDO:0016419, OMIM 114480. Disease mechanism: loss of function.

Allele frequency attached by ClinVar (database versions not stated): gnomAD exomes below 0.00001; ExAC 0.00001.
gnomAD v4.1: 6 of 1,613,742 alleles (0.00037%); highest among the groups gnomAD compares: East Asian, 0.0045%; no homozygotes.

Submissions (6):

Labcorp Genetics (formerly Invitae), Labcorp
Classification: Uncertain significance for Familial cancer of breast; Fanconi anemia complementation group J. Last evaluated: 2026-01-31. Review status: criteria provided, single submitter. Criteria: Invitae Variant Classification Sherloc (09022015). Collection method: clinical testing. Allele origin: germline.
Comment: This sequence change replaces asparagine, which is neutral and polar, with threonine, which is neutral and polar, at codon 428 of the BRIP1 protein (p.Asn428Thr). This variant is present in population databases (rs779237423, gnomAD 0.006%). This variant has not been reported in the literature in individuals affected with BRIP1-related conditions. ClinVar contains an entry for this variant (Variation ID: 231662). Invitae Evidence Modeling of protein sequence and biophysical properties (such as structural, functional, and spatial information, amino acid conservation, physicochemical variation, residue mobility, and thermodynamic stability) indicates that this missense variant is not expected to disrupt BRIP1 protein function with a negative predictive value of 95%. In summary, the available evidence is currently insufficient to determine the role of this variant in disease. Therefore, it has been classified as a Variant of Uncertain Significance.

KCCC/NGS Laboratory, Kuwait Cancer Control Center
Classification: Uncertain significance for Familial cancer of breast. Last evaluated: 2025-04-28. Review status: criteria provided, single submitter. Criteria: ACMG Guidelines, 2015. Collection method: clinical testing. Allele origin: germline. Inheritance: Autosomal dominant inheritance. Affected: yes. Observed: 1 heterozygote.
Comment: This sequence change replaces asparagine, which is neutral and polar, with threonine, which is neutral and polar, at codon 428 of the BRIP1 protein (p.Asn428Thr). This variant is present in population databases (rs779237423, gnomAD 0.006%). This variant has not been reported in the literature in individuals affected with BRIP1-related conditions. ClinVar contains an entry for this variant (Variation ID: 231662). In silico analysis, which includes protein predictors and evolutionary conservation, supports that this variant does not alter protein structure/function. In summary, the available evidence is currently insufficient to determine the role of this variant in disease. Therefore, it has been classified as a Variant of Uncertain Significance.

Color Diagnostics, LLC DBA Color Health
Classification: Uncertain significance for Hereditary cancer-predisposing syndrome. Last evaluated: 2024-03-06. Review status: criteria provided, single submitter. Criteria: ACMG Guidelines, 2015. Collection method: clinical testing. Allele origin: germline.
Comment: This missense variant replaces asparagine with threonine at codon 428 of the BRIP1 protein. Computational prediction suggests that this variant may not impact protein structure and function (internally defined REVEL score threshold <= 0.5, PMID: 27666373). To our knowledge, functional studies have not been reported for this variant. This variant has not been reported in individuals affected with BRIP1-related disorders in the literature. This variant has been identified in 1/251230 chromosomes in the general population by the Genome Aggregation Database (gnomAD). The available evidence is insufficient to determine the role of this variant in disease conclusively. Therefore, this variant is classified as a Variant of Uncertain Significance.

Baylor Genetics
Classification: Uncertain significance for Familial cancer of breast. Last evaluated: 2024-02-19. Review status: criteria provided, single submitter. Criteria: ACMG Guidelines, 2015. Collection method: clinical testing. Allele origin: unknown.

Ambry Genetics
Classification: Likely benign for Hereditary cancer-predisposing syndrome. Last evaluated: 2024-01-30. Review status: criteria provided, single submitter. Criteria: Ambry Variant Classification Scheme 2023. Collection method: clinical testing. Allele origin: germline.

GeneDx
Classification: Uncertain significance. Last evaluated: 2023-11-05. Review status: criteria provided, single submitter. Criteria: GeneDx Variant Classification Process June 2021. Collection method: clinical testing. Allele origin: germline. Affected: yes.
Comment: Not observed at significant frequency in large population cohorts (gnomAD); In silico analysis, which includes protein predictors and evolutionary conservation, supports that this variant does not alter protein structure/function; Has not been previously published as pathogenic or benign to our knowledge

NM_032043.3(BRIP1):c.1283A>C (p.Asn428Thr)

Gene: BRIP1 (BRCA1 interacting DNA helicase 1; minus strand). Cytogenetic location: 17q23.2.
Variant type: single nucleotide variant.
Coding change: c.1283A>C on transcript NM_032043.3 (MANE Select); coding-DNA position 1283, A replaced by C.
Protein change: p.Asn428Thr; replaces asparagine 428 with threonine.
Molecular consequence: missense variant.
Genome position (GRCh38, 1-based): chr17:61,799,157, T>G on the plus strand (A>C on the coding strand, the complement: BRIP1 is on the minus strand). VCF-style: chr17-61799157-T-G. GRCh37 (hg19) VCF-style: chr17-59876518-T-G.
Other names: short protein forms N428T.
Identifiers: ClinVar variation 231662 (VCV000231662.26), dbSNP rs779237423, ClinGen allele CA8690768.